The following is an entry in ClinVar:

NM_002473.6(MYH9):c.5278G>A (p.Asp1760Asn)

Gene: MYH9 (myosin heavy chain 9; minus strand). Cytogenetic location: 22q12.3.
Variant type: single nucleotide variant.
Coding change: c.5278G>A on transcript NM_002473.6 (MANE Select); coding-DNA position 5278, G replaced by A.
Protein change: p.Asp1760Asn; replaces aspartic acid 1760 with asparagine.
Molecular consequence: missense variant.
Genome position (GRCh38, 1-based): chr22:36,285,326, C>T on the plus strand (G>A on the coding strand, the complement: MYH9 is on the minus strand). VCF-style: chr22-36285326-C-T. GRCh37 (hg19) VCF-style: chr22-36681372-C-T.
Other names: short protein forms D1760N.
Identifiers: ClinVar variation 3587935 (VCV003587935.2).

ClinVar aggregate classification (germline): Uncertain significance. Review status: criteria provided, multiple submitters, no conflicts (2 of 4 stars). 2 submissions from 2 submitters: Uncertain significance (2). Last evaluated 2025-05-08.

Conditions:
Macrothrombocytopenia and granulocyte inclusions with or without nephritis or sensorineural hearing loss (MATINS). Also called: SEBASTIAN PLATELET SYNDROME; MACROTHROMBOCYTOPENIA WITH DISPERSED LEUKOCYTIC INCLUSIONS; MACROTHROMBOCYTOPENIA, NEPHRITIS, AND DEAFNESS; MACROTHROMBOCYTOPENIA, NEPHRITIS, DEAFNESS, AND LEUKOCYTE INCLUSIONS; ALPORT SYNDROME WITH MACROTHROMBOCYTOPENIA; Fechtner syndrome. Identifiers: Orphanet 182050, MedGen C5200934, MONDO:0015912, OMIM 155100.
Autosomal dominant nonsyndromic hearing loss 17. Also called: Deafness, autosomal dominant 17; Autosomal dominant nonsyndromic deafness 17. Identifiers: Orphanet 90635, MedGen C1863659, MONDO:0011350, OMIM 603622.

gnomAD v4.1: 8 of 1,608,346 alleles (0.0005%); highest among the groups gnomAD compares: East Asian, 0.0022%; no homozygotes.

Submissions (2):

Labcorp Genetics (formerly Invitae), Labcorp
Classification: Uncertain significance. Last evaluated: 2025-05-08. Review status: criteria provided, single submitter. Criteria: Invitae Variant Classification Sherloc (09022015). Collection method: clinical testing. Allele origin: germline.
Comment: This sequence change replaces aspartic acid, which is acidic and polar, with asparagine, which is neutral and polar, at codon 1760 of the MYH9 protein (p.Asp1760Asn). This variant is not present in population databases (gnomAD no frequency). This variant has not been reported in the literature in individuals affected with MYH9-related conditions. ClinVar contains an entry for this variant (Variation ID: 3587935). Invitae Evidence Modeling of protein sequence and biophysical properties (such as structural, functional, and spatial information, amino acid conservation, physicochemical variation, residue mobility, and thermodynamic stability) indicates that this missense variant is not expected to disrupt MYH9 protein function with a negative predictive value of 95%. In summary, the available evidence is currently insufficient to determine the role of this variant in disease. Therefore, it has been classified as a Variant of Uncertain Significance.

Fulgent Genetics
Classification: Uncertain significance for Macrothrombocytopenia and granulocyte inclusions with or without nephritis or sensorineural hearing loss; Autosomal dominant nonsyndromic hearing loss 17. Last evaluated: 2024-04-23. Review status: criteria provided, single submitter. Criteria: ACMG Guidelines, 2015. Collection method: clinical testing. Allele origin: germline.